The following is an entry in ClinVar:

NM_001242313.1(TMEM191B):c.531A>G (p.Gln177=)

Gene: TMEM191B (transmembrane protein 191B; plus strand). Cytogenetic location: 22q11.21.
Variant type: single nucleotide variant.
Coding change: c.531A>G on transcript NM_001242313.1 (MANE Select); coding-DNA position 531, A replaced by G.
Protein change: p.Gln177=; no amino-acid change (glutamine 177 retained).
Molecular consequence: synonymous variant.
Genome position (GRCh38, 1-based): chr22:18,529,078, A>G. VCF-style: chr22-18529078-A-G. GRCh37 (hg19) VCF-style: chr22-20378945-A-G.
Identifiers: ClinVar variation 2652884 (VCV002652884.24), dbSNP rs1167355101, ClinGen allele CA638595265.

ClinVar aggregate classification (germline): Likely benign (1 of 4 stars; one submission).

Submission:

CeGaT Center for Human Genetics Tuebingen
Classification: Likely benign. Last evaluated: 2022-11-01. Review status: criteria provided, single submitter. Criteria: CeGaT Center For Human Genetics Tuebingen Variant Classification Criteria Version 2. Collection method: clinical testing. Allele origin: germline. Affected: yes. Observed: 1 variant allele.
Comment: TMEM191B: BP4, BP7